The following is an entry in ClinVar:

NM_000435.3(NOTCH3):c.1000G>C (p.Ala334Pro)

Gene: NOTCH3 (notch receptor 3; minus strand). Cytogenetic location: 19p13.12.
Variant type: single nucleotide variant.
Coding change: c.1000G>C on transcript NM_000435.3 (MANE Select); coding-DNA position 1000, G replaced by C.
Protein change: p.Ala334Pro; replaces alanine 334 with proline.
Molecular consequence: missense variant.
Genome position (GRCh38, 1-based): chr19:15,191,460, C>G on the plus strand (G>C on the coding strand, the complement: NOTCH3 is on the minus strand). VCF-style: chr19-15191460-C-G. GRCh37 (hg19) VCF-style: chr19-15302271-C-G.
Other names: short protein forms A334P.
Identifiers: ClinVar variation 2000741 (VCV002000741.4), dbSNP rs1222617834, ClinGen allele CA404530838.

ClinVar aggregate classification (germline): Uncertain significance (1 of 4 stars; one submission).

Submission:

Labcorp Genetics (formerly Invitae), Labcorp
Classification: Uncertain significance. Last evaluated: 2023-12-11. Review status: criteria provided, single submitter. Criteria: Invitae Variant Classification Sherloc (09022015). Collection method: clinical testing. Allele origin: germline.
Comment: This sequence change replaces alanine, which is neutral and non-polar, with proline, which is neutral and non-polar, at codon 334 of the NOTCH3 protein (p.Ala334Pro). This variant is not present in population databases (gnomAD no frequency). This variant has not been reported in the literature in individuals affected with NOTCH3-related conditions. ClinVar contains an entry for this variant (Variation ID: 2000741). Advanced modeling of protein sequence and biophysical properties (such as structural, functional, and spatial information, amino acid conservation, physicochemical variation, residue mobility, and thermodynamic stability) performed at Invitae indicates that this missense variant is not expected to disrupt NOTCH3 protein function with a negative predictive value of 95%. In summary, the available evidence is currently insufficient to determine the role of this variant in disease. Therefore, it has been classified as a Variant of Uncertain Significance.